The following is an entry in ClinVar:

NM_000536.4(RAG2):c.1391G>A (p.Arg464His)

Gene: RAG2 (recombination activating 2; minus strand). Cytogenetic location: 11p12.
Variant type: single nucleotide variant.
Coding change: c.1391G>A on transcript NM_000536.4 (MANE Select); coding-DNA position 1391, G replaced by A.
Protein change: p.Arg464His; replaces arginine 464 with histidine.
Molecular consequence: missense variant.
Genome position (GRCh38, 1-based): chr11:36,592,778, C>T on the plus strand (G>A on the coding strand, the complement: RAG2 is on the minus strand). VCF-style: chr11-36592778-C-T. GRCh37 (hg19) VCF-style: chr11-36614328-C-T.
Other names: c.1391G>A, p.Arg464His (NM_001243785.2, NM_001243786.2); short protein forms R464H.
Identifiers: ClinVar variation 432772 (VCV000432772.18), dbSNP rs147748696, ClinGen allele CA5950422.
Genomic context (GRCh38, chr11:36,592,778, plus strand): 5'-ATCTCCACATGCTCATTGCAGTAATACTTGTTGCTTCCTGCTGACAGATGGATGAGTGTG[C>T]GTTCTGCCAGATCCATGCACTGAGCATGGACCCAGTGCCCATCCCCATGAGAGCAGTAGA-3'
Protein context (NP_000527.2, residues 454-474): VHAQCMDLAE[Arg464His]TLIHLSAGSN

ClinVar aggregate classification (germline): Conflicting classifications of pathogenicity. Review status: criteria provided, conflicting classifications (1 of 4 stars). 5 submissions from 4 submitters: Uncertain significance (3); Likely benign (1). 1 of the submissions does not count toward it. Last evaluated 2026-02-01.

Conditions:
Combined immunodeficiency with skin granulomas. Identifiers: Orphanet 157949, MedGen C2673536, MONDO:0009306, OMIM 233650.
Severe combined immunodeficiency, autosomal recessive, T cell-negative, B cell-negative, NK cell-positive. Also called: Severe combined immunodeficiency due to complete RAG1/2 deficiency; SCID, T CELL-NEGATIVE, B CELL-NEGATIVE, NK CELL-POSITIVE; SCID, AR, T-cell negative, B-cell negative, NK cell-positive. Identifiers: Orphanet 331206, MedGen C1832322, MONDO:0011086, OMIM 601457.
Histiocytic medullary reticulosis. Also called: Omenn syndrome; SEVERE COMBINED IMMUNODEFICIENCY WITH HYPEREOSINOPHILIA. Identifiers: Orphanet 39041, MedGen C2700553, MONDO:0011338, OMIM 603554.

Allele frequency attached by ClinVar (database versions not stated): TOPMed 0.00033; ESP Exome Variant Server 0.00046.
gnomAD v4.1: 594 of 1,613,910 alleles (0.037%); highest among the groups gnomAD compares: Non-Finnish European, 0.033%; 1 homozygote.

Submissions (5):

Labcorp Genetics (formerly Invitae), Labcorp
Classification: Likely benign for Combined immunodeficiency with skin granulomas; Severe combined immunodeficiency, autosomal recessive, T cell-negative, B cell-negative, NK cell-positive. Last evaluated: 2026-02-01. Review status: criteria provided, single submitter. Criteria: Invitae Variant Classification Sherloc (09022015). Collection method: clinical testing. Allele origin: germline.

GeneDx
Classification: Uncertain significance. Last evaluated: 2026-01-07. Review status: criteria provided, single submitter. Criteria: GeneDx Variant Classification Process June 2021. Collection method: clinical testing. Allele origin: germline. Affected: yes.
Comment: In silico analysis suggests that this missense variant does not alter protein structure/function; Has not been previously published as pathogenic or benign to our knowledge; This variant is associated with the following publications: (PMID: 27825771, 20234091)

Illumina Laboratory Services, Illumina
Classification: Uncertain significance for Histiocytic medullary reticulosis. Last evaluated: 2018-01-12. Review status: criteria provided, single submitter. Criteria: ICSL Variant Classification Criteria 13 December 2019. Collection method: clinical testing. Allele origin: germline.

Illumina Laboratory Services, Illumina
Classification: Uncertain significance for Severe combined immunodeficiency, autosomal recessive, T cell-negative, B cell-negative, NK cell-positive. Last evaluated: 2018-01-12. Review status: criteria provided, single submitter. Criteria: ICSL Variant Classification Criteria 13 December 2019. Collection method: clinical testing. Allele origin: germline.

Natera, Inc.
Classification: Likely benign for Omenn syndrome. Last evaluated: 2020-04-13. Review status: no assertion criteria provided. Collection method: clinical testing. Allele origin: germline. Not counted in ClinVar's aggregate classification.